The following is an entry in ClinVar:

NM_001613.4(ACTA2):c.230TCA[1] (p.Ile78del)

Gene: ACTA2 (actin alpha 2, smooth muscle; minus strand). Cytogenetic location: 10q23.31.
Variant type: Microsatellite.
Coding change: c.230TCA[1] on transcript NM_001613.4 (MANE Select); one copy of the 3-base unit TCA starting at c.230; the reference has two copies in a row; one copy, 3 bases deleted; also written c.233_235del.
Protein change: p.Ile78del; deletes isoleucine 78.
Molecular consequence: inframe indel (on NM_001613.2). On other transcripts: intron variant (3).
Genome position (GRCh38, 1-based): chr10:88,947,281-88,947,283, TGA deleted on the plus strand (TCA on the coding strand, the reverse complement: ACTA2 is on the minus strand); deleting any 3 consecutive bases within chr10:88,947,281-88,947,288 gives the same sequence; the position shown is the placement nearest the transcript's 3' end. VCF-style (leftmost placement, unchanged base first): chr10-88947280-GTGA-G. GRCh37 (hg19) VCF-style: chr10-90707037-GTGA-G.
Other names: p.Ile78del; c.230TCA[1], p.Ile78del (NM_001141945.3, NM_001320855.2, NM_001406462.1 and 4 more transcripts); c.228_230CAT[1], p.Ile78del (NM_001613.2); c.129+1519_129+1521del (NM_001406467.1, NM_001406468.1, NM_001406469.1); c.233_235del (NM_001613.2); short protein forms I78del.
Identifiers: ClinVar variation 2683115 (VCV002683115.1), dbSNP rs1188845970, ClinGen allele CA669669080.

ClinVar aggregate classification (germline): Uncertain significance (1 of 4 stars; one submission).

Submission:

Mayo Clinic Laboratories, Mayo Clinic
Classification: Uncertain significance. Last evaluated: 2022-09-20. Review status: criteria provided, single submitter. Criteria: ACMG Guidelines, 2015. Collection method: clinical testing. Allele origin: germline. Observed: 1 variant allele.
Comment: PM2_supporting, PM4